The following is an entry in ClinVar:

NM_004304.5(ALK):c.4657G>A (p.Ala1553Thr)

Gene: ALK (ALK receptor tyrosine kinase; minus strand). Cytogenetic location: 2p23.2.
Variant type: single nucleotide variant.
Coding change: c.4657G>A on transcript NM_004304.5 (MANE Select); coding-DNA position 4657, G replaced by A.
Protein change: p.Ala1553Thr; replaces alanine 1553 with threonine.
Molecular consequence: missense variant.
Genome position (GRCh38, 1-based): chr2:29,193,430, C>T on the plus strand (G>A on the coding strand, the complement: ALK is on the minus strand). VCF-style: chr2-29193430-C-T. GRCh37 (hg19) VCF-style: chr2-29416296-C-T.
Other names: c.1453G>A, p.Ala485Thr (NM_001353765.2); c.4657G>A (NM_004304.4); short protein forms A1553T, A485T.
Identifiers: ClinVar variation 1415459 (VCV001415459.9), dbSNP rs745390287, ClinGen allele CA1593519.

ClinVar aggregate classification (germline): Uncertain significance. Review status: criteria provided, multiple submitters, no conflicts (2 of 4 stars). 2 submissions from 2 submitters: Uncertain significance (2). Last evaluated 2024-08-06.

Conditions:
Hereditary cancer-predisposing syndrome. Also called: Hereditary neoplastic syndrome; Neoplastic Syndromes, Hereditary; Hereditary Cancer Syndrome; Tumor predisposition. Identifiers: Orphanet 140162, MedGen C0027672, MeSH D009386, MONDO:0015356.
Neuroblastoma, susceptibility to, 3. Also called: ALK-Related Neuroblastic Tumor Susceptibility. Identifiers: Orphanet 635, MedGen C2751681, MONDO:0013083, OMIM 613014.

Allele frequency attached by ClinVar (database versions not stated): ExAC 0.00001; TOPMed 0.00001.
gnomAD v4.1: 5 of 1,614,164 alleles (0.00031%); highest among the groups gnomAD compares: South Asian, 0.0022%; no homozygotes.

Submissions (2):

Labcorp Genetics (formerly Invitae), Labcorp
Classification: Uncertain significance for Neuroblastoma, susceptibility to, 3. Last evaluated: 2024-08-06. Review status: criteria provided, single submitter. Criteria: Invitae Variant Classification Sherloc (09022015). Collection method: clinical testing. Allele origin: germline.
Comment: This sequence change replaces alanine, which is neutral and non-polar, with threonine, which is neutral and polar, at codon 1553 of the ALK protein (p.Ala1553Thr). This variant is present in population databases (rs745390287, gnomAD 0.003%). This variant has not been reported in the literature in individuals affected with ALK-related conditions. ClinVar contains an entry for this variant (Variation ID: 1415459). An algorithm developed to predict the effect of missense changes on protein structure and function outputs the following: PolyPhen-2: "Benign". The threonine amino acid residue is found in multiple mammalian species, which suggests that this missense change does not adversely affect protein function. In summary, the available evidence is currently insufficient to determine the role of this variant in disease. Therefore, it has been classified as a Variant of Uncertain Significance.

Ambry Genetics
Classification: Uncertain significance for Hereditary cancer-predisposing syndrome. Last evaluated: 2023-07-26. Review status: criteria provided, single submitter. Criteria: Ambry Variant Classification Scheme 2023. Collection method: clinical testing. Allele origin: germline.
Comment: The p.A1553T variant (also known as c.4657G>A), located in coding exon 29 of the ALK gene, results from a G to A substitution at nucleotide position 4657. The alanine at codon 1553 is replaced by threonine, an amino acid with similar properties. This amino acid position is conserved. In addition, this alteration is predicted to be tolerated by in silico analysis. Since supporting evidence is limited at this time, the clinical significance of this alteration remains unclear.